The following is an entry in ClinVar:

ClinVar aggregate classification (germline): Uncertain significance. Review status: criteria provided, multiple submitters, no conflicts (2 of 4 stars). 2 submissions from 2 submitters: Uncertain significance (2). Last evaluated 2025-05-14.

Conditions:
Inborn genetic diseases. Identifiers: MedGen C0950123, MeSH D030342.

Allele frequency attached by ClinVar (database versions not stated): gnomAD exomes below 0.00001; gnomAD 0.00001; TOPMed 0.00001.
gnomAD v4.1: 3 of 1,613,952 alleles (0.00019%); highest among the groups gnomAD compares: Admixed American, 0.0033%; no homozygotes.

Submissions (2):

Ambry Genetics
Classification: Uncertain significance for Inborn genetic diseases. Last evaluated: 2025-05-14. Review status: criteria provided, single submitter. Criteria: Ambry Variant Classification Scheme 2023. Collection method: clinical testing. Allele origin: germline.

Labcorp Genetics (formerly Invitae), Labcorp
Classification: Uncertain significance. Last evaluated: 2024-10-15. Review status: criteria provided, single submitter. Criteria: Invitae Variant Classification Sherloc (09022015). Collection method: clinical testing. Allele origin: germline.
Comment: This sequence change replaces asparagine, which is neutral and polar, with aspartic acid, which is acidic and polar, at codon 136 of the TUBGCP6 protein (p.Asn136Asp). This variant is present in population databases (no rsID available, gnomAD 0.003%). This variant has not been reported in the literature in individuals affected with TUBGCP6-related conditions. ClinVar contains an entry for this variant (Variation ID: 1389040). An algorithm developed to predict the effect of missense changes on protein structure and function (PolyPhen-2) suggests that this variant is likely to be tolerated. In summary, the available evidence is currently insufficient to determine the role of this variant in disease. Therefore, it has been classified as a Variant of Uncertain Significance.

NM_020461.4(TUBGCP6):c.406A>G (p.Asn136Asp)

Gene: TUBGCP6 (tubulin gamma complex component 6; minus strand). Cytogenetic location: 22q13.33.
Variant type: single nucleotide variant.
Coding change: c.406A>G on transcript NM_020461.4 (MANE Select); coding-DNA position 406, A replaced by G.
Protein change: p.Asn136Asp; replaces asparagine 136 with aspartic acid.
Molecular consequence: missense variant.
Genome position (GRCh38, 1-based): chr22:50,244,054, T>C on the plus strand (A>G on the coding strand, the complement: TUBGCP6 is on the minus strand). VCF-style: chr22-50244054-T-C. GRCh37 (hg19) VCF-style: chr22-50682483-T-C.
Other names: c.406A>G (NM_020461.3); short protein forms N136D.
Identifiers: ClinVar variation 1389040 (VCV001389040.7), dbSNP rs1415684538, ClinGen allele CA412115481.
Genomic context (GRCh38, chr22:50,244,054, plus strand): 5'-ACACACTCAGGTCGTCGCAATCATAGCCGCTGTACGGAACGTTTCTCCCCACATGCTTGT[T>C]GTTAAGGAAGTAGTCTCGTTTTCTCGGCAGAACTTGAGGGGGACCACTCCCTGCCAGCTG-3'
Protein context (NP_065194.3, residues 126-146): LPRKRDYFLN[Asn136Asp]KHVGRNVPYS